The following is an entry in ClinVar:

ClinVar aggregate classification (germline): Likely benign (1 of 4 stars; one submission).

gnomAD v4.1: 59 of 1,610,962 alleles (0.0037%); highest among the groups gnomAD compares: Non-Finnish European, 0.0046%; no homozygotes.

Submission:

CeGaT Center for Human Genetics Tuebingen
Classification: Likely benign. Last evaluated: 2025-11-01. Review status: criteria provided, single submitter. Criteria: CeGaT Center For Human Genetics Tuebingen Variant Classification Criteria Version 2. Collection method: clinical testing. Allele origin: germline. Affected: yes. Observed: 1 variant allele.
Comment: CHD8: BP4, BS1

NM_001170629.2(CHD8):c.908G>A (p.Arg303Gln)

Gene: CHD8 (chromodomain helicase DNA binding protein 8; minus strand). Cytogenetic location: 14q11.2.
Variant type: single nucleotide variant.
Coding change: c.908G>A on transcript NM_001170629.2 (MANE Select); coding-DNA position 908, G replaced by A.
Protein change: p.Arg303Gln; replaces arginine 303 with glutamine.
Molecular consequence: missense variant.
Genome position (GRCh38, 1-based): chr14:21,429,271, C>T on the plus strand (G>A on the coding strand, the complement: CHD8 is on the minus strand). VCF-style: chr14-21429271-C-T. GRCh37 (hg19) VCF-style: chr14-21897430-C-T.
Other names: c.71G>A, p.Arg24Gln (NM_020920.4); short protein forms R24Q, R303Q.
Identifiers: ClinVar variation 4533999 (VCV004533999.6).